The following is an entry in ClinVar:

NM_001036.6(RYR3):c.14118T>C (p.Asp4706=)

Genes: AVEN (apoptosis and caspase activation inhibitor; minus strand), RYR3 (ryanodine receptor 3; plus strand). Cytogenetic location: 15q14.
Variant type: single nucleotide variant.
Coding change: c.14118T>C on transcript NM_001036.6 (MANE Select); coding-DNA position 14118, T replaced by C.
Protein change: p.Asp4706=; no amino-acid change (aspartic acid 4706 retained).
Molecular consequence: synonymous variant.
Genome position (GRCh38, 1-based): chr15:33,857,890, T>C. VCF-style: chr15-33857890-T-C. GRCh37 (hg19) VCF-style: chr15-34150091-T-C.
Other names: c.14103T>C, p.Asp4701= (NM_001243996.4).
Identifiers: ClinVar variation 461873 (VCV000461873.13), dbSNP rs113189230, ClinGen allele CA7461904.

ClinVar aggregate classification (germline): Benign. Review status: criteria provided, multiple submitters, no conflicts (2 of 4 stars). 3 submissions from 3 submitters: Benign (3). Last evaluated 2026-01-25.

Conditions:
RYR3-related disorder. Also called: RYR3-related condition.
Epileptic encephalopathy. Identifiers: MedGen C0543888, HP:0200134.

Allele frequency attached by ClinVar (database versions not stated): gnomAD exomes 0.00127 and 0.00304; ExAC 0.00379; gnomAD 0.01279 and 0.01367; TOPMed 0.01452; ESP Exome Variant Server 0.01477; 1000 Genomes Project 0.01478; 1000 Genomes Project 30x 0.01562.
gnomAD v4.1: 3,879 of 1,614,152 alleles (0.24%); highest among the groups gnomAD compares: African/African-American, 4.6%; 82 homozygotes.

Submissions (3):

Labcorp Genetics (formerly Invitae), Labcorp
Classification: Benign for Epileptic encephalopathy. Last evaluated: 2026-01-25. Review status: criteria provided, single submitter. Criteria: Invitae Variant Classification Sherloc (09022015). Collection method: clinical testing. Allele origin: germline.

PreventionGenetics, part of Exact Sciences
Classification: Benign for RYR3-related condition. Last evaluated: 2025-11-20. Review status: criteria provided, single submitter. Criteria: ACMG Guidelines, 2015. Collection method: clinical testing. Allele origin: germline.
Comment: This variant is classified as benign based on ACMG/AMP sequence variant interpretation guidelines (Richards et al. 2015 PMID: 25741868, with internal and published modifications).

Breakthrough Genomics
Classification: Benign. Review status: criteria provided, single submitter. Criteria: ACMG Guidelines, 2015. Collection method: not provided. Allele origin: germline. Inheritance: Unknown mechanism. Affected: yes.